The following is an entry in ClinVar:

ClinVar aggregate classification (germline): Uncertain significance (1 of 4 stars; one submission).

Conditions:
Hereditary cancer-predisposing syndrome. Also called: Hereditary Cancer Syndrome; Hereditary neoplastic syndrome; Neoplastic Syndromes, Hereditary; Tumor predisposition. Identifiers: Orphanet 140162, MedGen C0027672, MeSH D009386, MONDO:0015356.

Submission:

Ambry Genetics
Classification: Uncertain significance for Hereditary cancer-predisposing syndrome. Last evaluated: 2021-07-13. Review status: criteria provided, single submitter. Criteria: Ambry Variant Classification Scheme 2023. Collection method: clinical testing. Allele origin: germline.
Comment: The p.N1534H variant (also known as c.4600A>C), located in coding exon 22 of the DICER1 gene, results from an A to C substitution at nucleotide position 4600. The asparagine at codon 1534 is replaced by histidine, an amino acid with similar properties. This amino acid position is well conserved in available vertebrate species. In addition, the in silico prediction for this alteration is inconclusive. Since supporting evidence is limited at this time, the clinical significance of this alteration remains unclear.

NM_177438.3(DICER1):c.4600A>C (p.Asn1534His)

Gene: DICER1 (dicer 1, ribonuclease III; minus strand). Cytogenetic location: 14q32.13.
Variant type: single nucleotide variant.
Coding change: c.4600A>C on transcript NM_177438.3 (MANE Select); coding-DNA position 4600, A replaced by C.
Protein change: p.Asn1534His; replaces asparagine 1534 with histidine.
Molecular consequence: missense variant. On other transcripts: non-coding transcript variant (6).
Genome position (GRCh38, 1-based): chr14:95,096,320, T>G on the plus strand (A>C on the coding strand, the complement: DICER1 is on the minus strand). VCF-style: chr14-95096320-T-G. GRCh37 (hg19) VCF-style: chr14-95562657-T-G.
Other names: c.4600A>C, p.Asn1534His (NM_001195573.1, NM_001271282.3, NM_001291628.2 and 13 more transcripts); c.4318A>C, p.Asn1440His (NM_001395686.1); c.4195A>C, p.Asn1399His (NM_001395687.1, NM_001395688.1, NM_001395689.1 and 2 more transcripts); c.4033A>C, p.Asn1345His (NM_001395691.1); c.2917A>C, p.Asn973His (NM_001395697.1); short protein forms N1399H, N1440H, N1345H, N1534H, N973H.
Identifiers: ClinVar variation 1741821 (VCV001741821.2), dbSNP rs2542494367, ClinGen allele CA390867721.